The following is an entry in ClinVar:

NM_003839.4(TNFRSF11A):c.550C>T (p.His184Tyr)

Gene: TNFRSF11A (TNF receptor superfamily member 11a; plus strand). Cytogenetic location: 18q21.33.
Variant type: single nucleotide variant.
Coding change: c.550C>T on transcript NM_003839.4 (MANE Select); coding-DNA position 550, C replaced by T.
Protein change: p.His184Tyr; replaces histidine 184 with tyrosine.
Molecular consequence: missense variant.
Genome position (GRCh38, 1-based): chr18:62,359,983, C>T. VCF-style: chr18-62359983-C-T. GRCh37 (hg19) VCF-style: chr18-60027216-C-T.
Other names: c.550C>T, p.His184Tyr (NM_001270949.2, NM_001270950.2, NM_001270951.2); c.508C>T, p.His170Tyr (NM_001278268.2); short protein forms H170Y, H184Y.
Identifiers: ClinVar variation 2255609 (VCV002255609.3), dbSNP rs140948733, ClinGen allele CA8983797.

ClinVar aggregate classification (germline): Uncertain significance. Review status: criteria provided, multiple submitters, no conflicts (2 of 4 stars). 2 submissions from 2 submitters: Uncertain significance (2). Last evaluated 2025-05-21.

Conditions:
Inborn genetic diseases. Identifiers: MedGen C0950123, MeSH D030342.

Allele frequency attached by ClinVar (database versions not stated): gnomAD exomes below 0.00001; TOPMed below 0.00001; ExAC 0.00001; ESP Exome Variant Server 0.00008.
gnomAD v4.1: 5 of 1,613,988 alleles (0.00031%); highest among the groups gnomAD compares: Admixed American, 0.0017%; no homozygotes.

Submissions (2):

Labcorp Genetics (formerly Invitae), Labcorp
Classification: Uncertain significance. Last evaluated: 2025-05-21. Review status: criteria provided, single submitter. Criteria: Invitae Variant Classification Sherloc (09022015). Collection method: clinical testing. Allele origin: germline.
Comment: This sequence change replaces histidine, which is basic and polar, with tyrosine, which is neutral and polar, at codon 184 of the TNFRSF11A protein (p.His184Tyr). This variant is present in population databases (rs140948733, gnomAD 0.002%). This variant has not been reported in the literature in individuals affected with TNFRSF11A-related conditions. ClinVar contains an entry for this variant (Variation ID: 2255609). Invitae Evidence Modeling of protein sequence and biophysical properties (such as structural, functional, and spatial information, amino acid conservation, physicochemical variation, residue mobility, and thermodynamic stability) indicates that this missense variant is not expected to disrupt TNFRSF11A protein function with a negative predictive value of 80%. In summary, the available evidence is currently insufficient to determine the role of this variant in disease. Therefore, it has been classified as a Variant of Uncertain Significance.

Ambry Genetics
Classification: Uncertain significance for Inborn genetic diseases. Last evaluated: 2021-10-18. Review status: criteria provided, single submitter. Criteria: Ambry Variant Classification Scheme 2023. Collection method: clinical testing. Allele origin: germline.